The following is an entry in ClinVar:

ClinVar aggregate classification (germline): Benign (1 of 4 stars; one submission).

Submission:

CeGaT Center for Human Genetics Tuebingen
Classification: Benign. Last evaluated: 2023-07-01. Review status: criteria provided, single submitter. Criteria: CeGaT Center For Human Genetics Tuebingen Variant Classification Criteria Version 2. Collection method: clinical testing. Allele origin: germline. Affected: yes. Observed: 9 variant alleles.
Comment: ABHD5: BS1, BS2

NM_016006.6(ABHD5):c.*1860del

Gene: ABHD5 (abhydrolase domain containing 5, lysophosphatidic acid acyltransferase; plus strand). Cytogenetic location: 3p21.33.
Variant type: Deletion.
Coding change: c.*1860del on transcript NM_016006.6 (MANE Select); 1860 bases downstream of the stop codon, one base deleted (G; older notation c.*1860delG).
Molecular consequence: 3 prime UTR variant. On other transcripts: non-coding transcript variant (1), intron variant (1).
Genome position (GRCh38, 1-based): chr3:43,720,392, G deleted; the last of 2 consecutive G bases (chr3:43,720,391-43,720,392); deleting either gives the same sequence. VCF-style (leftmost placement, unchanged base first): chr3-43720390-TG-T. GRCh37 (hg19) VCF-style: chr3-43761882-TG-T.
Other names: c.*1860del (NM_001365649.1); c.*1886del (NM_001365650.1); c.29+1831del (NM_001355186.2).
Identifiers: ClinVar variation 345251 (VCV000345251.36), dbSNP rs571429944, ClinGen allele CA10618521.